The following is an entry in ClinVar:

NC_012920.1(MT-ND5):m.14112C>A

Gene: MT-ND5 (mitochondrially encoded NADH dehydrogenase 5; plus strand).
Variant type: single nucleotide variant.
Genome position: chrM-14112-C-A.
Identifiers: ClinVar variation 693667 (VCV000693667.1), dbSNP rs1603224530, ClinGen allele CA414820972.

ClinVar aggregate classification (germline): Uncertain significance (1 of 4 stars; one submission).

Conditions:
Leigh syndrome (NULS). Also called: Leigh's necrotizing encephalopathy; Leigh's disease; Leigh's syndrome; LEIGH SYNDROME, NUCLEAR; Leigh Syndrome (mtDNA deletion); Leigh Disease. Identifiers: Orphanet 506, MedGen C2931891, MONDO:0009723, OMIM 256000.

Submission:

Wong Mito Lab, Molecular and Human Genetics, Baylor College of Medicine
Classification: Uncertain significance for Leigh syndrome. Last evaluated: 2019-10-17. Review status: criteria provided, single submitter. Criteria: Modified ACMG Guidelines (Unpublished). Collection method: clinical testing. Allele origin: germline.
Comment: The NC_012920.1:m.14112C>A (YP_003024036.1:p.Phe592Leu) variant in MTND5 gene is interpretated to be a Uncertain Significance variant based on the modified ACMG guidelines (unpublished). This variant meets the following evidence codes: BP4